The following is an entry in ClinVar:

NM_206933.4(USH2A):c.9275T>G (p.Ile3092Arg)

Gene: USH2A (usherin; minus strand). Cytogenetic location: 1q41.
Variant type: single nucleotide variant.
Coding change: c.9275T>G on transcript NM_206933.4 (MANE Select); coding-DNA position 9275, T replaced by G.
Protein change: p.Ile3092Arg; replaces isoleucine 3092 with arginine.
Molecular consequence: missense variant.
Genome position (GRCh38, 1-based): chr1:215,838,087, A>C on the plus strand (T>G on the coding strand, the complement: USH2A is on the minus strand). VCF-style: chr1-215838087-A-C. GRCh37 (hg19) VCF-style: chr1-216011429-A-C.
Other names: short protein forms I3092R.
Identifiers: ClinVar variation 969467 (VCV000969467.12), dbSNP rs373286445, ClinGen allele CA1394360.

ClinVar aggregate classification (germline): Uncertain significance. Review status: criteria provided, multiple submitters, no conflicts (2 of 4 stars). 8 submissions from 7 submitters: Uncertain significance (7). 1 of the submissions does not count toward it. Last evaluated 2026-08-11.

Conditions:
Retinitis pigmentosa 39 (RP39). Identifiers: Orphanet 791, MedGen C3151138, MONDO:0013436, OMIM 613809.
USH2A-related disorder. Also called: USH2A-related disorders; USH2A-related condition. Identifiers: MedGen CN239332.
Usher syndrome type 2A. Also called: RETINAL DISEASE IN USHER SYNDROME TYPE IIA, MODIFIER OF; USHER SYNDROME, TYPE IIA. Identifiers: Orphanet 231178, Orphanet 886, MedGen C1848634, MONDO:0010169, OMIM 276901.
Inborn genetic diseases. Identifiers: MedGen C0950123, MeSH D030342.

Allele frequency attached by ClinVar (database versions not stated): TOPMed 0.00010.
gnomAD v4.1: 39 of 1,613,988 alleles (0.0024%); highest among the groups gnomAD compares: Middle Eastern, 0.049%; no homozygotes.

Submissions (8):

PreventionGenetics, part of Exact Sciences
Classification: Uncertain significance for USH2A-related condition. Last evaluated: 2026-08-11. Review status: criteria provided, single submitter. Criteria: ACMG Guidelines, 2015. Collection method: clinical testing. Allele origin: germline.
Comment: The USH2A c.9275T>G variant is predicted to result in the amino acid substitution p.Ile3092Arg. To our knowledge, this variant has not been reported in the literature. This variant is present in 0.036% of alleles in individuals of African descent in gnomAD. At this time, the clinical significance of this variant is uncertain due to the absence of conclusive functional and genetic evidence.

Ambry Genetics
Classification: Uncertain significance for Inborn genetic diseases. Last evaluated: 2025-05-21. Review status: criteria provided, single submitter. Criteria: Ambry Variant Classification Scheme 2023. Collection method: clinical testing. Allele origin: germline.

Genome-Nilou Lab
Classification: Uncertain significance for Retinitis pigmentosa 39. Last evaluated: 2023-11-04. Review status: criteria provided, single submitter. Criteria: ACMG Guidelines, 2015. Collection method: clinical testing. Allele origin: germline. Affected: no.

Genome-Nilou Lab
Classification: Uncertain significance for Usher syndrome type 2A. Last evaluated: 2023-11-04. Review status: criteria provided, single submitter. Criteria: ACMG Guidelines, 2015. Collection method: clinical testing. Allele origin: germline. Affected: no.

Blueprint Genetics
Classification: Uncertain significance. Last evaluated: 2023-07-15. Review status: criteria provided, single submitter. Criteria: ACMG Guidelines, 2015. Collection method: clinical testing. Allele origin: germline.

GeneDx
Classification: Uncertain significance. Last evaluated: 2023-07-06. Review status: criteria provided, single submitter. Criteria: GeneDx Variant Classification Process June 2021. Collection method: clinical testing. Allele origin: germline. Affected: yes.
Comment: In silico analysis supports that this missense variant does not alter protein structure/function; Has not been previously published as pathogenic or benign to our knowledge

Labcorp Genetics (formerly Invitae), Labcorp
Classification: Uncertain significance. Last evaluated: 2022-10-05. Review status: criteria provided, single submitter. Criteria: Invitae Variant Classification Sherloc (09022015). Collection method: clinical testing. Allele origin: germline.
Comment: This sequence change replaces isoleucine, which is neutral and non-polar, with arginine, which is basic and polar, at codon 3092 of the USH2A protein (p.Ile3092Arg). This variant is present in population databases (rs373286445, gnomAD 0.02%). This variant has not been reported in the literature in individuals affected with USH2A-related conditions. ClinVar contains an entry for this variant (Variation ID: 969467). Advanced modeling of protein sequence and biophysical properties (such as structural, functional, and spatial information, amino acid conservation, physicochemical variation, residue mobility, and thermodynamic stability) performed at Invitae indicates that this missense variant is not expected to disrupt USH2A protein function. In summary, the available evidence is currently insufficient to determine the role of this variant in disease. Therefore, it has been classified as a Variant of Uncertain Significance.

Natera, Inc.
Classification: Uncertain significance for Usher syndrome type 2A. Last evaluated: 2020-03-04. Review status: no assertion criteria provided. Collection method: clinical testing. Allele origin: germline. Not counted in ClinVar's aggregate classification.